The following is an entry in ClinVar:

NM_147127.5(EVC2):c.243G>A (p.Met81Ile)

Gene: EVC2 (EvC ciliary complex subunit 2; minus strand). Cytogenetic location: 4p16.2.
Variant type: single nucleotide variant.
Coding change: c.243G>A on transcript NM_147127.5 (MANE Select); coding-DNA position 243, G replaced by A.
Protein change: p.Met81Ile; replaces methionine 81 with isoleucine.
Molecular consequence: missense variant. On other transcripts: initiator codon variant (1).
Genome position (GRCh38, 1-based): chr4:5,697,633, C>T on the plus strand (G>A on the coding strand, the complement: EVC2 is on the minus strand). VCF-style: chr4-5697633-C-T. GRCh37 (hg19) VCF-style: chr4-5699360-C-T.
Other names: c.3G>A, p.Met1Ile (NM_001166136.2); short protein forms M81I, M1I.
Identifiers: ClinVar variation 2926094 (VCV002926094.3), dbSNP rs770636406, ClinGen allele CA91725725.

ClinVar aggregate classification (germline): Uncertain significance (1 of 4 stars; one submission).

Conditions:
Curry-Hall syndrome (WAD). Also called: WEYERS ACRODENTAL DYSOSTOSIS. Identifiers: Orphanet 952, MedGen C0457013, MONDO:0008673, OMIM 193530.
Ellis-van Creveld syndrome (EVC). Also called: EVC-Related Ellis-van Creveld Syndrome; EVC2-Related Ellis-van Creveld Syndrome; MESOECTODERMAL DYSPLASIA; Chondroectodermal dysplasia. Identifiers: Orphanet 289, MedGen C0013903, MONDO:0009162, OMIM 225500.

gnomAD v4.1: 1 of 1,613,912 alleles (0.000062%); highest among the groups gnomAD compares: African/African-American, 0.0013%; no homozygotes.

Submission:

Labcorp Genetics (formerly Invitae), Labcorp
Classification: Uncertain significance for Curry-Hall syndrome; Ellis-van Creveld syndrome. Last evaluated: 2022-12-06. Review status: criteria provided, single submitter. Criteria: Invitae Variant Classification Sherloc (09022015). Collection method: clinical testing. Allele origin: germline.
Comment: This sequence change replaces methionine, which is neutral and non-polar, with isoleucine, which is neutral and non-polar, at codon 81 of the EVC2 protein (p.Met81Ile). This variant is not present in population databases (gnomAD no frequency). This variant has not been reported in the literature in individuals affected with EVC2-related conditions. Algorithms developed to predict the effect of missense changes on protein structure and function (SIFT, PolyPhen-2, Align-GVGD) all suggest that this variant is likely to be tolerated. In summary, the available evidence is currently insufficient to determine the role of this variant in disease. Therefore, it has been classified as a Variant of Uncertain Significance.